The following is an entry in ClinVar:

ClinVar aggregate classification (germline): Uncertain significance (1 of 4 stars; one submission).

Conditions:
Lipoprotein glomerulopathy (LPG). Identifiers: Orphanet 329481, MedGen C2673196, MONDO:0012725, OMIM 611771.

Submission:

3billion
Classification: Uncertain significance for Lipoprotein glomerulopathy. Last evaluated: 2022-05-22. Review status: criteria provided, single submitter. Criteria: ACMG Guidelines, 2015. Collection method: clinical testing. Allele origin: germline. Affected: yes. Observed: 1 heterozygote.
Comment: The variant is not observed in the gnomAD v2.1.1 dataset. Missense changes are a common disease-causing mechanism. Different missense changes at the same codon (p.Arg163His, p.Arg163Pro) have been reported to be associated with APOE related disorder (ClinVar ID: VCV000017865, VCV000017879 / PMID: 15256764, 3243553, 9176854), but the evidence of pathogenicity is insufficient at this time. Therefore, this variant is classified as uncertain significanceaccording to the recommendation of ACMG/AMP guideline.

Literature cited by the submitters: PubMed 9176854; PubMed 15256764; PubMed 3243553.

NM_000041.4(APOE):c.488G>T (p.Arg163Leu)

Gene: APOE (apolipoprotein E; plus strand). Cytogenetic location: 19q13.32.
Variant type: single nucleotide variant.
Coding change: c.488G>T on transcript NM_000041.4 (MANE Select); coding-DNA position 488, G replaced by T.
Protein change: p.Arg163Leu; replaces arginine 163 with leucine.
Molecular consequence: missense variant.
Genome position (GRCh38, 1-based): chr19:44,908,784, G>T. VCF-style: chr19-44908784-G-T. GRCh37 (hg19) VCF-style: chr19-45412041-G-T.
Other names: c.566G>T, p.Arg189Leu (NM_001302688.2); c.488G>T, p.Arg163Leu (NM_001302689.2, NM_001302690.2, NM_001302691.2); short protein forms R163L, R189L.
Identifiers: ClinVar variation 1687222 (VCV001687222.1), dbSNP rs121918397, ClinGen allele CA406304113.